The following is an entry in ClinVar:

ClinVar aggregate classification (germline): Uncertain significance (1 of 4 stars; one submission).

Conditions:
CHD5-related disorder. Also called: CHD5-related condition.

gnomAD v4.1: 1 of 1,613,890 alleles (0.000062%); highest among the groups gnomAD compares: African/African-American, 0.0013%; no homozygotes.

Submission:

PreventionGenetics, part of Exact Sciences
Classification: Uncertain significance for CHD5-related condition. Last evaluated: 2026-04-07. Review status: criteria provided, single submitter. Criteria: ACMG Guidelines, 2015. Collection method: clinical testing. Allele origin: germline.
Comment: The CHD5 c.1590G>A variant is not predicted to result in an amino acid change (p.=). This variant falls within the last nucleotide of exon 10 and is predicted to impact splicing based on a splicing prediction program (SpliceAI, Jaganathan K, et al. 2019. PubMed ID: 30661751). To our knowledge, this variant has not been reported in the literature or in a large population database (gnomAD), indicating this variant is rare. At this time, the clinical significance of this variant is uncertain due to the absence of conclusive functional and genetic evidence.

NM_015557.3(CHD5):c.1590G>A (p.Gln530=)

Gene: CHD5 (chromodomain helicase DNA binding protein 5; minus strand). Cytogenetic location: 1p36.31.
Variant type: single nucleotide variant.
Coding change: c.1590G>A on transcript NM_015557.3 (MANE Select); coding-DNA position 1590, G replaced by A.
Protein change: p.Gln530=; no amino-acid change (glutamine 530 retained).
Molecular consequence: synonymous variant.
Genome position (GRCh38, 1-based): chr1:6,146,665, C>T on the plus strand (G>A on the coding strand, the complement: CHD5 is on the minus strand). VCF-style: chr1-6146665-C-T. GRCh37 (hg19) VCF-style: chr1-6206725-C-T.
Identifiers: ClinVar variation 4991310 (VCV004991310.1).